The following is an entry in ClinVar:

NM_015122.3(FCHO1):c.1778C>T (p.Ala593Val)

Gene: FCHO1 (FCH and mu domain containing endocytic adaptor 1; plus strand). Cytogenetic location: 19p13.11.
Variant type: single nucleotide variant.
Coding change: c.1778C>T on transcript NM_015122.3 (MANE Select); coding-DNA position 1778, C replaced by T.
Protein change: p.Ala593Val; replaces alanine 593 with valine.
Molecular consequence: missense variant. On other transcripts: non-coding transcript variant (36).
Genome position (GRCh38, 1-based): chr19:17,781,489, C>T. VCF-style: chr19-17781489-C-T. GRCh37 (hg19) VCF-style: chr19-17892298-C-T.
Other names: c.1778C>T, p.Ala593Val (NM_001161357.2, NM_001161358.2, NM_001384370.1 and 13 more transcripts); c.1628C>T, p.Ala543Val (NM_001161359.2, NM_001384384.1, NM_001384385.1 and 1 more transcripts); c.1661C>T, p.Ala554Val (NM_001384392.1, NM_001384393.1, NM_001384394.1 and 1 more transcripts); c.1502C>T, p.Ala501Val (NM_001384396.1, NM_001384397.1, NM_001384398.1 and 5 more transcripts); c.1457C>T, p.Ala486Val (NM_001384403.1); c.1739C>T, p.Ala580Val (NM_001384405.1, NM_001384388.1, NM_001384389.1); c.1352C>T, p.Ala451Val (NM_001384406.1); c.1208C>T, p.Ala403Val (NM_001384407.1); and 1 more; short protein forms A403V, A501V, A554V, A451V, A580V, A593V, A486V, A543V.
Identifiers: ClinVar variation 2807977 (VCV002807977.3), dbSNP rs2514060253, ClinGen allele CA404754827.

ClinVar aggregate classification (germline): Uncertain significance (1 of 4 stars; one submission).

Allele frequency attached by ClinVar (database versions not stated): gnomAD exomes below 0.00001.
gnomAD v4.1: 1 of 1,614,062 alleles (0.000062%); highest among the groups gnomAD compares: Non-Finnish European, 0.000085%; no homozygotes.

Submission:

Labcorp Genetics (formerly Invitae), Labcorp
Classification: Uncertain significance. Last evaluated: 2023-10-17. Review status: criteria provided, single submitter. Criteria: Invitae Variant Classification Sherloc (09022015). Collection method: clinical testing. Allele origin: germline.
Comment: This sequence change replaces alanine, which is neutral and non-polar, with valine, which is neutral and non-polar, at codon 593 of the FCHO1 protein (p.Ala593Val). This variant is not present in population databases (gnomAD no frequency). This variant has not been reported in the literature in individuals affected with FCHO1-related conditions. Algorithms developed to predict the effect of missense changes on protein structure and function output the following: SIFT: "Not Available"; PolyPhen-2: "Benign"; Align-GVGD: "Not Available". The valine amino acid residue is found in multiple mammalian species, which suggests that this missense change does not adversely affect protein function. In summary, the available evidence is currently insufficient to determine the role of this variant in disease. Therefore, it has been classified as a Variant of Uncertain Significance.